The following is an entry in ClinVar:

ClinVar aggregate classification (germline): Uncertain significance. Review status: criteria provided, multiple submitters, no conflicts (2 of 4 stars). 4 submissions from 4 submitters: Uncertain significance (3). 1 of the submissions does not count toward it. Last evaluated 2024-02-06.

Conditions:
FANCA-related disorder. Also called: FANCA-related condition.
Fanconi anemia (FA). Also called: Fanconi's anemia. Identifiers: Orphanet 84, MedGen C0015625, MeSH D005199, MONDO:0019391.
Fanconi anemia complementation group A (FANCA). Also called: FANCA-Related Fanconi Anemia; Fanconi anemia, group A. Identifiers: Orphanet 84, MedGen C3469521, MONDO:0009215, OMIM 227650.

Allele frequency attached by ClinVar (database versions not stated): ExAC 0.00002; gnomAD exomes 0.00002 and 0.00005; gnomAD 0.00005 and 0.00006; TOPMed 0.00006.
gnomAD v4.1: 77 of 1,613,592 alleles (0.0048%); highest among the groups gnomAD compares: Non-Finnish European, 0.0064%; no homozygotes.

Submissions (4):

Fulgent Genetics
Classification: Uncertain significance for Fanconi anemia complementation group A. Last evaluated: 2024-02-06. Review status: criteria provided, single submitter. Criteria: ACMG Guidelines, 2015. Collection method: clinical testing. Allele origin: germline.

PreventionGenetics, part of Exact Sciences
Classification: Uncertain significance for FANCA-related condition. Last evaluated: 2023-08-18. Review status: criteria provided, single submitter. Criteria: ACMG Guidelines, 2015. Collection method: clinical testing. Allele origin: germline.
Comment: The FANCA c.812A>C variant is predicted to result in the amino acid substitution p.Gln271Pro. To our knowledge, this variant has not been reported in the literature. This variant is reported in 0.0070% of alleles in individuals of European (Non-Finnish) descent in gnomAD. At this time, the clinical significance of this variant is uncertain due to the absence of conclusive functional and genetic evidence.

Labcorp Genetics (formerly Invitae), Labcorp
Classification: Uncertain significance for Fanconi anemia. Last evaluated: 2022-07-27. Review status: criteria provided, single submitter. Criteria: Invitae Variant Classification Sherloc (09022015). Collection method: clinical testing. Allele origin: germline.
Comment: This sequence change replaces glutamine, which is neutral and polar, with proline, which is neutral and non-polar, at codon 271 of the FANCA protein (p.Gln271Pro). This variant is present in population databases (rs762721928, gnomAD 0.006%). This variant has not been reported in the literature in individuals affected with FANCA-related conditions. ClinVar contains an entry for this variant (Variation ID: 408184). Advanced modeling of protein sequence and biophysical properties (such as structural, functional, and spatial information, amino acid conservation, physicochemical variation, residue mobility, and thermodynamic stability) performed at Invitae indicates that this missense variant is not expected to disrupt FANCA protein function. In summary, the available evidence is currently insufficient to determine the role of this variant in disease. Therefore, it has been classified as a Variant of Uncertain Significance.

Natera, Inc.
Classification: Uncertain significance for Fanconi anemia. Last evaluated: 2019-10-28. Review status: no assertion criteria provided. Collection method: clinical testing. Allele origin: germline. Not counted in ClinVar's aggregate classification.

NM_000135.4(FANCA):c.812A>C (p.Gln271Pro)

Gene: FANCA (FA complementation group A; minus strand). Cytogenetic location: 16q24.3.
Variant type: single nucleotide variant.
Coding change: c.812A>C on transcript NM_000135.4 (MANE Select); coding-DNA position 812, A replaced by C.
Protein change: p.Gln271Pro; replaces glutamine 271 with proline.
Molecular consequence: missense variant.
Genome position (GRCh38, 1-based): chr16:89,799,619, T>G on the plus strand (A>C on the coding strand, the complement: FANCA is on the minus strand). VCF-style: chr16-89799619-T-G. GRCh37 (hg19) VCF-style: chr16-89866027-T-G.
Other names: c.812A>C (LRG_495t1); c.812A>C, p.Gln271Pro (NM_001018112.3, NM_001286167.3); c.716A>C, p.Gln239Pro (NM_001351830.2); short protein forms Q271P, Q239P.
Identifiers: ClinVar variation 408184 (VCV000408184.12), dbSNP rs762721928, ClinGen allele CA8252766.